The following is an entry in ClinVar:

ClinVar aggregate classification (germline): Uncertain significance (1 of 4 stars; one submission).

Allele frequency attached by ClinVar (database versions not stated): gnomAD exomes 0.00001 and 0.00007; gnomAD 0.00006 and 0.00007; ExAC 0.00007; TOPMed 0.00010.
gnomAD v4.1: 30 of 1,586,566 alleles (0.0019%); highest among the groups gnomAD compares: East Asian, 0.061%; no homozygotes.

Submission:

Labcorp Genetics (formerly Invitae), Labcorp
Classification: Uncertain significance. Last evaluated: 2022-11-06. Review status: criteria provided, single submitter. Criteria: Invitae Variant Classification Sherloc (09022015). Collection method: clinical testing. Allele origin: germline.
Comment: This sequence change replaces alanine, which is neutral and non-polar, with threonine, which is neutral and polar, at codon 1967 of the NUP205 protein (p.Ala1967Thr). This variant is present in population databases (rs566054477, gnomAD 0.1%). This variant has not been reported in the literature in individuals affected with NUP205-related conditions. ClinVar contains an entry for this variant (Variation ID: 1411289). Algorithms developed to predict the effect of missense changes on protein structure and function (SIFT, PolyPhen-2, Align-GVGD) all suggest that this variant is likely to be tolerated. In summary, the available evidence is currently insufficient to determine the role of this variant in disease. Therefore, it has been classified as a Variant of Uncertain Significance.

NM_015135.3(NUP205):c.5899G>A (p.Ala1967Thr)

Gene: NUP205 (nucleoporin 205; plus strand). Cytogenetic location: 7q33.
Variant type: single nucleotide variant.
Coding change: c.5899G>A on transcript NM_015135.3 (MANE Select); coding-DNA position 5899, G replaced by A.
Protein change: p.Ala1967Thr; replaces alanine 1967 with threonine.
Molecular consequence: missense variant.
Genome position (GRCh38, 1-based): chr7:135,648,416, G>A. VCF-style: chr7-135648416-G-A. GRCh37 (hg19) VCF-style: chr7-135333164-G-A.
Other names: c.4825G>A, p.Ala1609Thr (NM_001329434.2); short protein forms A1609T, A1967T.
Identifiers: ClinVar variation 1411289 (VCV001411289.7), dbSNP rs566054477, ClinGen allele CA4499329.